The following is an entry in ClinVar:

NM_000080.4(CHRNE):c.392A>G (p.Tyr131Cys)

Genes: CHRNE (cholinergic receptor nicotinic epsilon subunit; minus strand), C17orf107 (chromosome 17 open reading frame 107; plus strand). Cytogenetic location: 17p13.2.
Variant type: single nucleotide variant.
Coding change: c.392A>G on transcript NM_000080.4 (MANE Select); coding-DNA position 392, A replaced by G.
Protein change: p.Tyr131Cys; replaces tyrosine 131 with cysteine.
Molecular consequence: missense variant. On other transcripts: 3 prime UTR variant (1).
Genome position (GRCh38, 1-based): chr17:4,902,040, T>C on the plus strand (A>G on the coding strand, the complement: CHRNE is on the minus strand). VCF-style: chr17-4902040-T-C. GRCh37 (hg19) VCF-style: chr17-4805335-T-C.
Other names: c.*1507T>C (NM_001145536.2); short protein forms Y131C.
Identifiers: ClinVar variation 4883361 (VCV004883361.2).

ClinVar aggregate classification (germline): Uncertain significance (1 of 4 stars; one submission).

gnomAD v4.1: 2 of 1,614,126 alleles (0.00012%); highest among the groups gnomAD compares: Non-Finnish European, 0.00017%; no homozygotes.

Submission:

Dasa
Classification: Uncertain significance. Last evaluated: 2025-08-07. Review status: criteria provided, single submitter. Criteria: DASA Assertion Criteria. Collection method: clinical testing. Allele origin: germline.
Comment: NM_000080.4(CHRNE):c.392A>G (p.Tyr131Cys) is a missense variant that results in the substitution of tyrosine with cysteine. This variant is rare in population databases. The currently available literature and clinical evidence are not sufficient to establish a definitive association between this variant and the reported condition. Therefore, this variant is classified as a variant of uncertain significance.